The following is an entry in ClinVar:

NM_006907.4(PYCR1):c.540+11C>T

Gene: PYCR1 (pyrroline-5-carboxylate reductase 1; minus strand). Cytogenetic location: 17q25.3.
Variant type: single nucleotide variant.
Coding change: c.540+11C>T on transcript NM_006907.4 (MANE Select); 11 bases into the intron after coding-DNA position 540, C replaced by T.
Molecular consequence: intron variant.
Genome position (GRCh38, 1-based): chr17:81,934,915, G>A on the plus strand (C>T on the coding strand, the complement: PYCR1 is on the minus strand). VCF-style: chr17-81934915-G-A. GRCh37 (hg19) VCF-style: chr17-79892791-G-A.
Other names: c.540+11C>T (NM_001282279.2, NM_001330523.2, NM_001282280.2 and 1 more transcripts); c.621+11C>T (NM_001282281.2).
Identifiers: ClinVar variation 325907 (VCV000325907.13), dbSNP rs149159844, ClinGen allele CA8845412.
Genomic context (GRCh38, chr17:81,934,915, plus strand): 5'-GGAGCAGGGACAGATGTGCCCGGTGGTCCCGGGAAGTGCCCGCCGCCGCCAGCTTCCCCC[G>A]CAGTCCTTACGTAGGCGGGGCCGCTGCCACTGAGCCCCGTGACGGCATCAATCAGGTCCT-3'

ClinVar aggregate classification (germline): Benign. Review status: criteria provided, multiple submitters, no conflicts (2 of 4 stars). 3 submissions from 3 submitters: Benign (3). Last evaluated 2026-01-29.

Conditions:
Cutis laxa. Identifiers: Orphanet 209, MedGen C0010495, MONDO:0016175, HP:0000973.

Allele frequency attached by ClinVar (database versions not stated): gnomAD exomes 0.00068 and 0.00180; ExAC 0.00245; 1000 Genomes Project 0.00539; 1000 Genomes Project 30x 0.00593; gnomAD 0.00632 and 0.00674; TOPMed 0.00713; ESP Exome Variant Server 0.00786.

Submissions (3):

Labcorp Genetics (formerly Invitae), Labcorp
Classification: Benign. Last evaluated: 2026-01-29. Review status: criteria provided, single submitter. Criteria: Invitae Variant Classification Sherloc (09022015). Collection method: clinical testing. Allele origin: germline.

GeneDx
Classification: Benign. Last evaluated: 2020-08-05. Review status: criteria provided, single submitter. Criteria: GeneDx Variant Classification Process June 2021. Collection method: clinical testing. Allele origin: germline. Affected: yes.

Illumina Laboratory Services, Illumina
Classification: Benign for Cutis laxa. Last evaluated: 2018-01-13. Review status: criteria provided, single submitter. Criteria: ICSL Variant Classification Criteria 13 December 2019. Collection method: clinical testing. Allele origin: germline.
Comment: This variant was observed in the ICSL laboratory as part of a predisposition screen in an ostensibly healthy population. It had not been previously curated by ICSL or reported in the Human Gene Mutation Database (HGMD: prior to June 1st, 2018), and was therefore a candidate for classification through an automated scoring system. Utilizing variant allele frequency, disease prevalence and penetrance estimates, and inheritance mode, an automated score was calculated to assess if this variant is too frequent to cause the disease. Based on the score and internal cut-off values, a variant classified as benign is not then subjected to further curation. The score for this variant resulted in a classification of benign for this disease.